The following is an entry in ClinVar:

NM_001276270.2(MBD4):c.1021G>T (p.Asp341Tyr)

Gene: MBD4 (methyl-CpG binding domain 4, DNA glycosylase; minus strand). Cytogenetic location: 3q21.3.
Variant type: single nucleotide variant.
Coding change: c.1021G>T on transcript NM_001276270.2 (MANE Select); coding-DNA position 1021, G replaced by T.
Protein change: p.Asp341Tyr; replaces aspartic acid 341 with tyrosine.
Molecular consequence: missense variant. On other transcripts: intron variant (1).
Genome position (GRCh38, 1-based): chr3:129,436,623, C>A on the plus strand (G>T on the coding strand, the complement: MBD4 is on the minus strand). VCF-style: chr3-129436623-C-A. GRCh37 (hg19) VCF-style: chr3-129155466-C-A.
Other names: c.1021G>T, p.Asp341Tyr (NM_001276271.2, NM_001276272.2, NM_003925.3); c.247+1185G>T (NM_001276273.2); short protein forms D341Y.
Identifiers: ClinVar variation 4718173 (VCV004718173.1).

ClinVar aggregate classification (germline): Uncertain significance (1 of 4 stars; one submission).

gnomAD v4.1: 1 of 1,613,994 alleles (0.000062%); highest among the groups gnomAD compares: Admixed American, 0.0017%; no homozygotes.

Submission:

Labcorp Genetics (formerly Invitae), Labcorp
Classification: Uncertain significance. Last evaluated: 2025-04-23. Review status: criteria provided, single submitter. Criteria: Invitae Variant Classification Sherloc (09022015). Collection method: clinical testing. Allele origin: germline.
Comment: This sequence change replaces aspartic acid, which is acidic and polar, with tyrosine, which is neutral and polar, at codon 341 of the MBD4 protein (p.Asp341Tyr). This variant is not present in population databases (gnomAD no frequency). This variant has not been reported in the literature in individuals affected with MBD4-related conditions. An algorithm developed to predict the effect of missense changes on protein structure and function (PolyPhen-2) suggests that this variant is likely to be tolerated. In summary, the available evidence is currently insufficient to determine the role of this variant in disease. Therefore, it has been classified as a Variant of Uncertain Significance.